The following is an entry in ClinVar:

ClinVar aggregate classification (germline): Uncertain significance (1 of 4 stars; one submission).

gnomAD v4.1: 3 of 1,561,630 alleles (0.00019%); highest among the groups gnomAD compares: African/African-American, 0.0041%; no homozygotes.

Submission:

GeneDx
Classification: Uncertain significance. Last evaluated: 2026-03-18. Review status: criteria provided, single submitter. Criteria: GeneDx Variant Classification Process June 2021. Collection method: clinical testing. Allele origin: germline.
Comment: Not observed at significant frequency in large population cohorts (gnomAD); In silico analysis suggests that this missense variant does not alter protein structure/function; Has not been previously published as pathogenic or benign to our knowledge

NM_014804.3(KIAA0753):c.1783C>G (p.Gln595Glu)

Gene: KIAA0753 (KIAA0753; minus strand). Cytogenetic location: 17p13.1.
Variant type: single nucleotide variant.
Coding change: c.1783C>G on transcript NM_014804.3 (MANE Select); coding-DNA position 1783, C replaced by G.
Protein change: p.Gln595Glu; replaces glutamine 595 with glutamic acid.
Molecular consequence: missense variant. On other transcripts: non-coding transcript variant (3).
Genome position (GRCh38, 1-based): chr17:6,608,394, G>C on the plus strand (C>G on the coding strand, the complement: KIAA0753 is on the minus strand). VCF-style: chr17-6608394-G-C. GRCh37 (hg19) VCF-style: chr17-6511714-G-C.
Other names: c.886C>G, p.Gln296Glu (NM_001351225.2); short protein forms Q296E, Q595E.
Identifiers: ClinVar variation 5016913 (VCV005016913.1).